The following is an entry in ClinVar:

ClinVar aggregate classification (germline): Uncertain significance (1 of 4 stars; one submission).

Conditions:
Inborn genetic diseases. Identifiers: MedGen C0950123, MeSH D030342.

gnomAD v4.1: 2 of 1,611,900 alleles (0.00012%); highest among the groups gnomAD compares: Admixed American, 0.0034%; no homozygotes.

Submission:

Ambry Genetics
Classification: Uncertain significance for Inborn genetic diseases. Last evaluated: 2022-12-05. Review status: criteria provided, single submitter. Criteria: Ambry Variant Classification Scheme 2023. Collection method: clinical testing. Allele origin: germline.
Comment: The p.L2086I variant (also known as c.6256T>A), located in coding exon 42 of the LRRK2 gene, results from a T to A substitution at nucleotide position 6256. The leucine at codon 2086 is replaced by isoleucine, an amino acid with highly similar properties. This amino acid position is conserved. In addition, this alteration is predicted to be tolerated by in silico analysis. Since supporting evidence is limited at this time, the clinical significance of this alteration remains unclear.

NM_198578.4(LRRK2):c.6256T>A (p.Leu2086Ile)

Gene: LRRK2 (leucine rich repeat kinase 2; plus strand). Cytogenetic location: 12q12.
Variant type: single nucleotide variant.
Coding change: c.6256T>A on transcript NM_198578.4 (MANE Select); coding-DNA position 6256, T replaced by A.
Protein change: p.Leu2086Ile; replaces leucine 2086 with isoleucine.
Molecular consequence: missense variant.
Genome position (GRCh38, 1-based): chr12:40,346,899, T>A. VCF-style: chr12-40346899-T-A. GRCh37 (hg19) VCF-style: chr12-40740701-T-A.
Other names: short protein forms L2086I.
Identifiers: ClinVar variation 2447269 (VCV002447269.2), dbSNP rs1238159524, ClinGen allele CA384405654.